The following is an entry in ClinVar:

NM_001378687.1(ATP2C1):c.2058-17T>C

Gene: ATP2C1 (ATPase secretory pathway Ca2+ transporting 1; plus strand). Cytogenetic location: 3q22.1.
Variant type: single nucleotide variant.
Coding change: c.2058-17T>C on transcript NM_001378687.1 (MANE Select); 17 bases into the intron before coding-DNA position 2058, T replaced by C.
Molecular consequence: intron variant.
Genome position (GRCh38, 1-based): chr3:130,996,026, T>C. VCF-style: chr3-130996026-T-C. GRCh37 (hg19) VCF-style: chr3-130714870-T-C.
Other names: c.2160-17T>C (NM_001378511.1, NM_001199180.2, NM_001199181.3); c.2043-17T>C (NM_001199182.2); c.2058-17T>C (NM_001001486.2, NM_001001487.2, NM_001001485.3 and 6 more transcripts); c.2010-17T>C (NM_001378514.1, NM_001199183.2, NM_001199184.3).
Identifiers: ClinVar variation 1686484 (VCV001686484.4), dbSNP rs117316812, ClinGen allele CA2615292.

ClinVar aggregate classification (germline): Conflicting classifications of pathogenicity. Review status: criteria provided, conflicting classifications (1 of 4 stars). 3 submissions from 3 submitters: Uncertain significance (1); Benign (1). 1 of the submissions does not count toward it. Last evaluated 2025-08-29.

Conditions:
ATP2C1-related disorder. Also called: ATP2C1-related condition.

Allele frequency attached by ClinVar (database versions not stated): gnomAD 0.00021 and 0.00029; gnomAD exomes 0.00027 and 0.00069; TOPMed 0.00037; ExAC 0.00063; 1000 Genomes Project 0.00120; 1000 Genomes Project 30x 0.00125.
gnomAD v4.1: 406 of 1,460,726 alleles (0.028%); highest among the groups gnomAD compares: East Asian, 0.8%; 2 homozygotes.

Submissions (3):

Labcorp Genetics (formerly Invitae), Labcorp
Classification: Benign. Last evaluated: 2025-08-29. Review status: criteria provided, single submitter. Criteria: Invitae Variant Classification Sherloc (09022015). Collection method: clinical testing. Allele origin: germline.

Mendelics
Classification: Uncertain significance. Last evaluated: 2022-05-04. Review status: criteria provided, single submitter. Criteria: Mendelics Assertion Criteria 2019. Collection method: clinical testing. Allele origin: germline.

PreventionGenetics, part of Exact Sciences
Classification: Benign for ATP2C1-related condition. Last evaluated: 2019-06-20. Review status: no assertion criteria provided. Collection method: clinical testing. Allele origin: germline. Not counted in ClinVar's aggregate classification.
Comment: This variant is classified as benign based on ACMG/AMP sequence variant interpretation guidelines (Richards et al. 2015 PMID: 25741868, with internal and published modifications).